The following is an entry in ClinVar:

ClinVar aggregate classification (germline): Uncertain significance (1 of 4 stars; one submission).

Conditions:
Hereditary cancer-predisposing syndrome. Also called: Neoplastic Syndromes, Hereditary; Tumor predisposition; Hereditary Cancer Syndrome; Hereditary neoplastic syndrome. Identifiers: Orphanet 140162, MedGen C0027672, MeSH D009386, MONDO:0015356.

Submission:

Color Diagnostics, LLC DBA Color Health
Classification: Uncertain significance for Hereditary cancer-predisposing syndrome. Last evaluated: 2023-12-05. Review status: criteria provided, single submitter. Criteria: ACMG Guidelines, 2015. Collection method: clinical testing. Allele origin: germline.
Comment: This missense variant replaces leucine with proline at codon 859 of the MSH6 protein. Computational prediction suggests that this variant may have deleterious impact on protein structure and function (internally defined REVEL score threshold >= 0.7, PMID: 27666373). To our knowledge, functional studies have not been reported for this variant. This variant has not been reported in individuals affected with MSH6-related disorders in the literature. This variant has not been identified in the general population by the Genome Aggregation Database (gnomAD). The available evidence is insufficient to determine the role of this variant in disease conclusively. Therefore, this variant is classified as a Variant of Uncertain Significance.

NM_000179.3(MSH6):c.2576T>C (p.Leu859Pro)

Gene: MSH6 (mutS homolog 6; plus strand). Cytogenetic location: 2p16.3.
Variant type: single nucleotide variant.
Coding change: c.2576T>C on transcript NM_000179.3 (MANE Select); coding-DNA position 2576, T replaced by C.
Protein change: p.Leu859Pro; replaces leucine 859 with proline.
Molecular consequence: missense variant.
Genome position (GRCh38, 1-based): chr2:47,800,559, T>C. VCF-style: chr2-47800559-T-C. GRCh37 (hg19) VCF-style: chr2-48027698-T-C.
Other names: c.2186T>C, p.Leu729Pro (NM_001281492.2); c.1670T>C, p.Leu557Pro (NM_001281493.2, NM_001281494.2); short protein forms L859P, L557P, L729P.
Identifiers: ClinVar variation 919344 (VCV000919344.4), dbSNP rs1669483754, ClinGen allele CA346754768.